The following is an entry in ClinVar:

NM_005529.7(HSPG2):c.10045C>G (p.Leu3349Val)

Gene: HSPG2 (heparan sulfate proteoglycan 2; minus strand). Cytogenetic location: 1p36.12.
Variant type: single nucleotide variant.
Coding change: c.10045C>G on transcript NM_005529.7 (MANE Select); coding-DNA position 10045, C replaced by G.
Protein change: p.Leu3349Val; replaces leucine 3349 with valine.
Molecular consequence: missense variant.
Genome position (GRCh38, 1-based): chr1:21,838,930, G>C on the plus strand (C>G on the coding strand, the complement: HSPG2 is on the minus strand). VCF-style: chr1-21838930-G-C. GRCh37 (hg19) VCF-style: chr1-22165423-G-C.
Other names: c.10048C>G, p.Leu3350Val (NM_001291860.2); short protein forms L3349V, L3350V.
Identifiers: ClinVar variation 439808 (VCV000439808.28), dbSNP rs75843082, ClinGen allele CA670244.

ClinVar aggregate classification (germline): Benign/Likely benign. Review status: criteria provided, multiple submitters, no conflicts (2 of 4 stars). 8 submissions from 7 submitters: Benign (5); Likely benign (3). Last evaluated 2026-01-12.

Conditions:
HSPG2-related disorder. Also called: HSPG2-related condition; HSPG2-related disorders.
Schwartz-Jampel syndrome. Also called: Myotonic myopathy dwarfism chondrodystrophy and ocular and facial abnormalities. Identifiers: Orphanet 800, MedGen C0036391, MONDO:0009717.
Lethal Kniest-like syndrome (DDSH). Also called: Dyssegmental Dysplasia. Identifiers: Orphanet 1865, MedGen C1857100, MONDO:0009140, OMIM 224410.

Allele frequency attached by ClinVar (database versions not stated): gnomAD exomes 0.00058 and 0.00150; ExAC 0.00206; gnomAD 0.00575 and 0.00610; TOPMed 0.00675; ESP Exome Variant Server 0.00692; 1000 Genomes Project 0.00699; 1000 Genomes Project 30x 0.00859.
gnomAD v4.1: 1,745 of 1,612,330 alleles (0.11%); highest among the groups gnomAD compares: African/African-American, 2.2%; 16 homozygotes.

Submissions (8):

Labcorp Genetics (formerly Invitae), Labcorp
Classification: Benign. Last evaluated: 2026-01-12. Review status: criteria provided, single submitter. Criteria: Invitae Variant Classification Sherloc (09022015). Collection method: clinical testing. Allele origin: germline.

PreventionGenetics, part of Exact Sciences
Classification: Benign for HSPG2-related condition. Last evaluated: 2024-11-03. Review status: criteria provided, single submitter. Criteria: ACMG Guidelines, 2015. Collection method: clinical testing. Allele origin: germline.
Comment: This variant is classified as benign based on ACMG/AMP sequence variant interpretation guidelines (Richards et al. 2015 PMID: 25741868, with internal and published modifications).

Blueprint Genetics
Classification: Likely benign. Last evaluated: 2024-10-18. Review status: criteria provided, single submitter. Criteria: ACMG Guidelines, 2015. Collection method: clinical testing. Allele origin: germline.

Athena Diagnostics
Classification: Benign. Last evaluated: 2024-07-24. Review status: criteria provided, single submitter. Criteria: Athena Diagnostics Criteria. Collection method: clinical testing. Allele origin: unknown.

ARUP Laboratories, Molecular Genetics and Genomics, ARUP Laboratories
Classification: Likely benign. Last evaluated: 2020-08-24. Review status: criteria provided, single submitter. Criteria: ARUP Molecular Germline Variant Investigation Process. Collection method: clinical testing. Allele origin: germline.

Illumina Laboratory Services, Illumina
Classification: Benign for Lethal Kniest-like syndrome. Last evaluated: 2018-01-12. Review status: criteria provided, single submitter. Criteria: ICSL Variant Classification Criteria 13 December 2019. Collection method: clinical testing. Allele origin: germline.
Comment: This variant was observed in the ICSL laboratory as part of a predisposition screen in an ostensibly healthy population. It had not been previously curated by ICSL or reported in the Human Gene Mutation Database (HGMD: prior to June 1st, 2018), and was therefore a candidate for classification through an automated scoring system. Utilizing variant allele frequency, disease prevalence and penetrance estimates, and inheritance mode, an automated score was calculated to assess if this variant is too frequent to cause the disease. Based on the score and internal cut-off values, a variant classified as benign is not then subjected to further curation. The score for this variant resulted in a classification of benign for this disease.

Illumina Laboratory Services, Illumina
Classification: Benign for Schwartz-Jampel syndrome type 1. Last evaluated: 2018-01-12. Review status: criteria provided, single submitter. Criteria: ICSL Variant Classification Criteria 13 December 2019. Collection method: clinical testing. Allele origin: germline.
Comment: the same text as in the submission from Illumina Laboratory Services, Illumina above.

Breakthrough Genomics
Classification: Likely benign. Review status: criteria provided, single submitter. Criteria: ACMG Guidelines, 2015. Collection method: not provided. Allele origin: germline. Inheritance: Autosomal recessive inheritance. Affected: yes.